The following is an entry in ClinVar:

ClinVar aggregate classification (germline): Uncertain significance (1 of 4 stars; one submission).

Allele frequency attached by ClinVar (database versions not stated): TOPMed below 0.00001; gnomAD exomes 0.00001.
gnomAD v4.1: 11 of 1,613,844 alleles (0.00068%); highest among the groups gnomAD compares: Non-Finnish European, 0.00076%; no homozygotes.

Submission:

Labcorp Genetics (formerly Invitae), Labcorp
Classification: Uncertain significance. Last evaluated: 2025-02-25. Review status: criteria provided, single submitter. Criteria: Invitae Variant Classification Sherloc (09022015). Collection method: clinical testing. Allele origin: germline.
Comment: This sequence change replaces leucine, which is neutral and non-polar, with histidine, which is basic and polar, at codon 2251 of the VCAN protein (p.Leu2251His). This variant is not present in population databases (gnomAD no frequency). This variant has not been reported in the literature in individuals affected with VCAN-related conditions. ClinVar contains an entry for this variant (Variation ID: 1410112). An algorithm developed to predict the effect of missense changes on protein structure and function (PolyPhen-2) suggests that this variant is likely to be tolerated. In summary, the available evidence is currently insufficient to determine the role of this variant in disease. Therefore, it has been classified as a Variant of Uncertain Significance.

NM_004385.5(VCAN):c.6752T>A (p.Leu2251His)

Genes: VCAN-AS1 (VCAN antisense RNA 1; minus strand), VCAN (versican; plus strand). Cytogenetic location: 5q14.3.
Variant type: single nucleotide variant.
Coding change: c.6752T>A on transcript NM_004385.5 (MANE Select); coding-DNA position 6752, T replaced by A.
Protein change: p.Leu2251His; replaces leucine 2251 with histidine.
Molecular consequence: missense variant. On other transcripts: intron variant (2).
Genome position (GRCh38, 1-based): chr5:83,539,755, T>A. VCF-style: chr5-83539755-T-A. GRCh37 (hg19) VCF-style: chr5-82835574-T-A.
Other names: c.3791T>A, p.Leu1264His (NM_001164097.2); c.4004-5782T>A (NM_001164098.2); c.1043-5782T>A (NM_001126336.3); short protein forms L1264H, L2251H.
Identifiers: ClinVar variation 1410112 (VCV001410112.8), dbSNP rs1403279933, ClinGen allele CA360313259.